The following is an entry in ClinVar:

NM_000334.4(SCN4A):c.-312G>A

Gene: SCN4A (sodium voltage-gated channel alpha subunit 4; minus strand). Cytogenetic location: 17q23.3.
Variant type: single nucleotide variant.
Coding change: c.-312G>A on transcript NM_000334.4 (MANE Select); 312 bases upstream of the start codon, G replaced by A.
Genome position (GRCh38, 1-based): chr17:63,973,153, C>T on the plus strand (G>A on the coding strand, the complement: SCN4A is on the minus strand). VCF-style: chr17-63973153-C-T. GRCh37 (hg19) VCF-style: chr17-62050513-C-T.
Identifiers: ClinVar variation 671347 (VCV000671347.2), dbSNP rs3760239, ClinGen allele CA14383706.

ClinVar aggregate classification (germline): Benign. Review status: criteria provided, multiple submitters, no conflicts (2 of 4 stars). 2 submissions from 2 submitters: Benign (2). Last evaluated 2018-06-14.

Allele frequency attached by ClinVar (database versions not stated): gnomAD exomes 0.49626; gnomAD 0.51479 and 0.51577; TOPMed 0.52273; 1000 Genomes Project 0.53295; 1000 Genomes Project 30x 0.53451.

Submissions (2):

GeneDx
Classification: Benign. Last evaluated: 2018-06-14. Review status: criteria provided, single submitter. Criteria: GeneDx Variant Classification (06012015). Collection method: clinical testing. Allele origin: germline. Affected: yes.
Comment: This variant is considered likely benign or benign based on one or more of the following criteria: it is a conservative change, it occurs at a poorly conserved position in the protein, it is predicted to be benign by multiple in silico algorithms, and/or has population frequency not consistent with disease.

Breakthrough Genomics
Classification: Benign. Review status: criteria provided, single submitter. Criteria: ACMG Guidelines, 2015. Collection method: not provided. Allele origin: germline. Inheritance: Autosomal recessive inheritance. Affected: yes.